The following is an entry in ClinVar:

ClinVar aggregate classification (germline): Pathogenic (1 of 4 stars; one submission).

Conditions:
Chuvash polycythemia. Also called: POLYCYTHEMIA, VHL-DEPENDENT. Identifiers: Orphanet 238557, MedGen C1837915, MONDO:0009892, OMIM 263400.
Von Hippel-Lindau syndrome (VHLS). Also called: von Hippel–Lindau syndrome; VHL syndrome; Von Hippel-Lindau. Identifiers: Orphanet 892, MedGen C0019562, MONDO:0008667, OMIM 193300. Disease mechanism: loss of function.

Submission:

Labcorp Genetics (formerly Invitae), Labcorp
Classification: Pathogenic for Von Hippel-Lindau syndrome; Erythrocytosis, familial, 2. Last evaluated: 2019-06-24. Review status: criteria provided, single submitter. Criteria: Invitae Variant Classification Sherloc (09022015). Collection method: clinical testing. Allele origin: germline.
Comment: This variant is a gross deletion of the genomic region encompassing exon 1 of the VHL gene, which includes the initiator codon. The 5' end of this event is unknown as it extends beyond the assayed region for this gene and therefore may encompass additional genes. The 3' boundary is likely confined to intron 1 of the VHL gene. This is expected to result in an absent or disrupted protein product. Loss-of-function variants including gross deletions in VHL are known to be pathogenic. Deletions of exon 1 have been reported in the literature in several families and individuals affected with von Hippel-Lindau syndrome (PMID: 10830910, 8069305, 19764026). For these reasons, this variant has been classified as Pathogenic.

Literature cited by the submitters: PubMed 19764026; PubMed 8069305; PubMed 10830910.

NC_000003.12:g.(?_10141838)_(10142197_?)del

Gene: VHL (von Hippel-Lindau tumor suppressor; plus strand). Cytogenetic location: 3p25.3.
Variant type: Deletion.
Identifiers: ClinVar variation 656836 (VCV000656836.2).